The following is an entry in ClinVar:

NM_004700.4(KCNQ4):c.1611C>G (p.Ile537Met)

Gene: KCNQ4 (potassium voltage-gated channel subfamily Q member 4; plus strand). Cytogenetic location: 1p34.2.
Variant type: single nucleotide variant.
Coding change: c.1611C>G on transcript NM_004700.4 (MANE Select); coding-DNA position 1611, C replaced by G.
Protein change: p.Ile537Met; replaces isoleucine 537 with methionine.
Molecular consequence: missense variant.
Genome position (GRCh38, 1-based): chr1:40,833,111, C>G. VCF-style: chr1-40833111-C-G. GRCh37 (hg19) VCF-style: chr1-41298783-C-G.
Other names: c.1449C>G, p.Ile483Met (NM_172163.3); short protein forms I537M, I483M.
Identifiers: ClinVar variation 228771 (VCV000228771.4), dbSNP rs876657837, ClinGen allele CA10576426.

ClinVar aggregate classification (germline): Uncertain significance (1 of 4 stars; one submission).

Submission:

Laboratory for Molecular Medicine, Mass General Brigham Personalized Medicine
Classification: Uncertain significance. Last evaluated: 2015-08-21. Review status: criteria provided, single submitter. Criteria: LMM Criteria. Collection method: clinical testing. Allele origin: germline. Observed: 1 variant allele.
Comment: Variant classified as Uncertain Significance - Favor Benign. The p.Ile537Met var iant in KCNQ4 has not been previously reported in individuals with hearing loss or in large population studies. The isoleucine (Ile) at position 527 is not cons erved in mammals or evolutionary distant species, supporting that a change at th is position may be tolerated. Additional computational prediction tools do not p rovide strong support for or against an impact to the protein. In summary, while the clinical significance of the p.Ile537Met variant is uncertain, the conserva tion data suggest that it is more likely to be benign.